The following is an entry in ClinVar:

NM_001089.3(ABCA3):c.4127T>A (p.Leu1376Gln)

Gene: ABCA3 (ATP binding cassette subfamily A member 3; minus strand). Cytogenetic location: 16p13.3.
Variant type: single nucleotide variant.
Coding change: c.4127T>A on transcript NM_001089.3 (MANE Select); coding-DNA position 4127, T replaced by A.
Protein change: p.Leu1376Gln; replaces leucine 1376 with glutamine.
Molecular consequence: missense variant.
Genome position (GRCh38, 1-based): chr16:2,281,418, A>T on the plus strand (T>A on the coding strand, the complement: ABCA3 is on the minus strand). VCF-style: chr16-2281418-A-T. GRCh37 (hg19) VCF-style: chr16-2331419-A-T.
Other names: short protein forms L1376Q.
Identifiers: ClinVar variation 3849770 (VCV003849770.2).

ClinVar aggregate classification (germline): Uncertain significance. Review status: criteria provided, multiple submitters, no conflicts (2 of 4 stars). 2 submissions from 2 submitters: Uncertain significance (2). Last evaluated 2026-01-21.

Conditions:
Hereditary pulmonary alveolar proteinosis. Also called: Pulmonary surfactant metabolism dysfunction. Identifiers: Orphanet 264675, MedGen C3711368, MONDO:0012580.

gnomAD v4.1: 9 of 1,613,604 alleles (0.00056%); highest among the groups gnomAD compares: Middle Eastern, 0.016%; no homozygotes.

Submissions (2):

Labcorp Genetics (formerly Invitae), Labcorp
Classification: Uncertain significance. Last evaluated: 2026-01-21. Review status: criteria provided, single submitter. Criteria: Invitae Variant Classification Sherloc (09022015). Collection method: clinical testing. Allele origin: germline.
Comment: This sequence change replaces leucine, which is neutral and non-polar, with glutamine, which is neutral and polar, at codon 1376 of the ABCA3 protein (p.Leu1376Gln). This variant is present in population databases (rs370692178, gnomAD 0.0009%). This variant has not been reported in the literature in individuals affected with ABCA3-related conditions. ClinVar contains an entry for this variant (Variation ID: 3849770). An algorithm developed to predict the effect of missense changes on protein structure and function (PolyPhen-2) suggests that this variant is likely to be tolerated. In summary, the available evidence is currently insufficient to determine the role of this variant in disease. Therefore, it has been classified as a Variant of Uncertain Significance.

Ambry Genetics
Classification: Uncertain significance for Hereditary pulmonary alveolar proteinosis. Last evaluated: 2025-01-27. Review status: criteria provided, single submitter. Criteria: Ambry Variant Classification Scheme 2023. Collection method: clinical testing. Allele origin: germline.